The following is an entry in ClinVar:

NM_014000.3(VCL):c.874+13T>C

Gene: VCL (vinculin; plus strand). Cytogenetic location: 10q22.2.
Variant type: single nucleotide variant.
Coding change: c.874+13T>C on transcript NM_014000.3 (MANE Select); 13 bases into the intron after coding-DNA position 874, T replaced by C.
Molecular consequence: intron variant.
Genome position (GRCh38, 1-based): chr10:74,082,557, T>C. VCF-style: chr10-74082557-T-C. GRCh37 (hg19) VCF-style: chr10-75842315-T-C.
Other names: c.874+13T>C (NM_003373.4).
Identifiers: ClinVar variation 517310 (VCV000517310.16), dbSNP rs777617736, ClinGen allele CA5562879.
Genomic context (GRCh38, chr10:74,082,557, plus strand): 5'-AACTGAACCAGGCCAAAGGTTGGCTCCGTGACCCTAGTGCCTCCCCAGGTAACCCTCTAG[T>C]TCTGCTTTTCTGATCAATACAACGAGAAGCTAAAAACCAAGCAAATGAAAGAAAGAAATT-3'

ClinVar aggregate classification (germline): Benign/Likely benign. Review status: criteria provided, multiple submitters, no conflicts (2 of 4 stars). 6 submissions from 6 submitters: Benign (1); Likely benign (5). Last evaluated 2025-12-09.

Conditions:
Dilated cardiomyopathy 1W (CMD1W). Identifiers: Orphanet 154, MedGen C1969639, MONDO:0012667, OMIM 611407.

Allele frequency attached by ClinVar (database versions not stated): gnomAD 0.00001 and 0.00003; gnomAD exomes 0.00003 and 0.00004; TOPMed 0.00003; ExAC 0.00005.
gnomAD v4.1: 58 of 1,613,252 alleles (0.0036%); highest among the groups gnomAD compares: Middle Eastern, 0.38%; 1 homozygote.

Submissions (6):

Labcorp Genetics (formerly Invitae), Labcorp
Classification: Likely benign for Dilated cardiomyopathy 1W. Last evaluated: 2025-12-09. Review status: criteria provided, single submitter. Criteria: Invitae Variant Classification Sherloc (09022015). Collection method: clinical testing. Allele origin: germline.

Genomic Medicine Center of Excellence, King Faisal Specialist Hospital and Research Centre
Classification: Likely benign. Last evaluated: 2025-08-18. Review status: criteria provided, single submitter. Criteria: ACMG Guidelines, 2015. Collection method: clinical testing. Allele origin: germline.

ARUP Laboratories, Molecular Genetics and Genomics, ARUP Laboratories
Classification: Likely benign. Last evaluated: 2025-04-08. Review status: criteria provided, single submitter. Criteria: ARUP Molecular Germline Variant Investigation Process 2024. Collection method: clinical testing. Allele origin: germline.

Women's Health and Genetics/Laboratory Corporation of America, LabCorp
Classification: Benign. Last evaluated: 2021-05-10. Review status: criteria provided, single submitter. Criteria: LabCorp Variant Classification Summary - May 2015. Collection method: clinical testing. Allele origin: germline.
Comment: Variant summary: VCL c.874+13T>C alters a non-conserved nucleotide located close to a canonical splice site and therefore could affect mRNA splicing, leading to a significantly altered protein sequence. 4/4 computational tools predict no significant impact on normal splicing. However, these predictions have yet to be confirmed by functional studies. The variant allele was found at a frequency of 4e-05 in 251016 control chromosomes. The observed variant frequency is slightly higher than the estimated maximal expected allele frequency for a pathogenic variant in VCL causing Cardiomyopathy phenotype (2.5e-05), suggesting that the variant may be benign. To our knowledge, no occurrence of c.874+13T>C in individuals affected with Cardiomyopathy and no experimental evidence demonstrating its impact on protein function have been reported. One clinical diagnostic laboratory has submitted clinical-significance assessments for this variant to ClinVar after 2014 without evidence for independent evaluation and classified the variant as likely benign. Based on the evidence outlined above, the variant was classified as benign.

Laboratory for Molecular Medicine, Mass General Brigham Personalized Medicine
Classification: Likely benign. Last evaluated: 2017-02-22. Review status: criteria provided, single submitter. Criteria: LMM Criteria. Collection method: clinical testing. Allele origin: germline. Observed: 1 variant allele.
Comment: c.874+13T>C in intron 7 of VCL: This variant is not expected to have clinical si gnificance because it is not located within the splice consensus sequence. It h as been identified in 3/11416 Latino chromosomes by the Exome Aggregation Consor tium (ExAC; dbSNP rs777617736).

Breakthrough Genomics
Classification: Likely benign. Review status: criteria provided, single submitter. Criteria: ACMG Guidelines, 2015. Collection method: not provided. Allele origin: germline. Inheritance: Autosomal dominant inheritance. Affected: yes.